The following is an entry in ClinVar:

ClinVar aggregate classification (germline): Benign. Review status: criteria provided, multiple submitters, no conflicts (2 of 4 stars). 2 submissions from 2 submitters: Benign (2). Last evaluated 2018-06-14.

Allele frequency attached by ClinVar (database versions not stated): gnomAD 0.22861 and 0.23053; gnomAD exomes 0.21130; 1000 Genomes Project 0.22704; 1000 Genomes Project 30x 0.23001; TOPMed 0.23593.

Submissions (2):

GeneDx
Classification: Benign. Last evaluated: 2018-06-14. Review status: criteria provided, single submitter. Criteria: GeneDx Variant Classification (06012015). Collection method: clinical testing. Allele origin: germline. Affected: yes.
Comment: This variant is considered likely benign or benign based on one or more of the following criteria: it is a conservative change, it occurs at a poorly conserved position in the protein, it is predicted to be benign by multiple in silico algorithms, and/or has population frequency not consistent with disease.

Breakthrough Genomics
Classification: Benign. Review status: criteria provided, single submitter. Criteria: ACMG Guidelines, 2015. Collection method: not provided. Allele origin: germline. Inheritance: Autosomal recessive inheritance. Affected: yes.

NM_003201.2(TFAM):c.-424C>T

Gene: TFAM (transcription factor A, mitochondrial; plus strand). Cytogenetic location: 10q21.1.
Variant type: single nucleotide variant.
Coding change: c.-424C>T on transcript NM_003201.2; 424 bases upstream of the start codon, C replaced by T.
Genome position (GRCh38, 1-based): chr10:58,385,124, C>T. VCF-style: chr10-58385124-C-T. GRCh37 (hg19) VCF-style: chr10-60144884-C-T.
Identifiers: ClinVar variation 684175 (VCV000684175.4), dbSNP rs2279340, ClinGen allele CA13156046.